The following is an entry in ClinVar:

NM_014283.5(SUCO):c.3720C>G (p.Ile1240Met)

Gene: SUCO (SUN domain containing ossification factor; plus strand). Cytogenetic location: 1q24.3.
Variant type: single nucleotide variant.
Coding change: c.3720C>G on transcript NM_014283.5 (MANE Select); coding-DNA position 3720, C replaced by G.
Protein change: p.Ile1240Met; replaces isoleucine 1240 with methionine.
Molecular consequence: missense variant.
Genome position (GRCh38, 1-based): chr1:172,610,214, C>G. VCF-style: chr1-172610214-C-G. GRCh37 (hg19) VCF-style: chr1-172579354-C-G.
Other names: c.2607C>G, p.Ile869Met (NM_001282750.2); c.2031C>G, p.Ile677Met (NM_001282751.2); c.4173C>G, p.Ile1391Met (NM_016227.4); short protein forms I869M, I1391M, I677M, I1240M.
Identifiers: ClinVar variation 1397429 (VCV001397429.8), dbSNP rs367909484, ClinGen allele CA1247395.

ClinVar aggregate classification (germline): Uncertain significance (1 of 4 stars; one submission).

Allele frequency attached by ClinVar (database versions not stated): gnomAD exomes below 0.00001.
gnomAD v4.1: 2 of 1,610,502 alleles (0.00012%); highest among the groups gnomAD compares: Non-Finnish European, 0.00017%; no homozygotes.

Submission:

Labcorp Genetics (formerly Invitae), Labcorp
Classification: Uncertain significance. Last evaluated: 2025-03-22. Review status: criteria provided, single submitter. Criteria: Invitae Variant Classification Sherloc (09022015). Collection method: clinical testing. Allele origin: germline.
Comment: This sequence change replaces isoleucine, which is neutral and non-polar, with methionine, which is neutral and non-polar, at codon 1240 of the SUCO protein (p.Ile1240Met). This variant is present in population databases (rs367909484, gnomAD 0.002%). This variant has not been reported in the literature in individuals affected with SUCO-related conditions. ClinVar contains an entry for this variant (Variation ID: 1397429). An algorithm developed to predict the effect of missense changes on protein structure and function (PolyPhen-2) suggests that this variant is likely to be tolerated. In summary, the available evidence is currently insufficient to determine the role of this variant in disease. Therefore, it has been classified as a Variant of Uncertain Significance.